The following is an entry in ClinVar:

ClinVar aggregate classification (germline): Uncertain significance. Review status: criteria provided, multiple submitters, no conflicts (2 of 4 stars). 2 submissions from 2 submitters: Uncertain significance (2). Last evaluated 2024-05-20.

Conditions:
Hereditary nonpolyposis colorectal neoplasms. Identifiers: MedGen C0009405, MeSH D003123.
Lynch syndrome 4 (LYNCH4). Also called: Hereditary non-polyposis colorectal cancer, type 4; Colorectal cancer, hereditary nonpolyposis, type 4. Identifiers: Orphanet 144, MedGen C1838333, MONDO:0013699, OMIM 614337. Disease mechanism: loss of function.

Submissions (2):

Molecular Pathology, Peter Maccallum Cancer Centre
Classification: Uncertain significance for Lynch syndrome 4. Last evaluated: 2024-05-20. Review status: criteria provided, single submitter. Criteria: ACMG Guidelines, 2015. Collection method: clinical testing. Allele origin: germline. Inheritance: Autosomal dominant inheritance.

Labcorp Genetics (formerly Invitae), Labcorp
Classification: Uncertain significance for Hereditary nonpolyposis colorectal neoplasms. Last evaluated: 2019-02-14. Review status: criteria provided, single submitter. Criteria: Invitae Variant Classification Sherloc (09022015). Collection method: clinical testing. Allele origin: germline.
Comment: In summary, the available evidence is currently insufficient to determine the role of this variant in disease. Therefore, it has been classified as a Variant of Uncertain Significance. Algorithms developed to predict the effect of missense changes on protein structure and function (SIFT, PolyPhen-2, Align-GVGD) all suggest that this variant is likely to be tolerated, but these predictions have not been confirmed by published functional studies and their clinical significance is uncertain. This variant has not been reported in the literature in individuals with PMS2-related conditions. This variant is not present in population databases (ExAC no frequency). This sequence change replaces leucine with valine at codon 447 of the PMS2 protein (p.Leu447Val). The leucine residue is weakly conserved and there is a small physicochemical difference between leucine and valine.

NM_000535.7(PMS2):c.1339C>G (p.Leu447Val)

Gene: PMS2 (PMS1 homolog 2, mismatch repair system component; minus strand). Cytogenetic location: 7p22.1.
Variant type: single nucleotide variant.
Coding change: c.1339C>G on transcript NM_000535.7 (MANE Select); coding-DNA position 1339, C replaced by G.
Protein change: p.Leu447Val; replaces leucine 447 with valine.
Molecular consequence: missense variant. On other transcripts: non-coding transcript variant (1).
Genome position (GRCh38, 1-based): chr7:5,987,426, G>C on the plus strand (C>G on the coding strand, the complement: PMS2 is on the minus strand). VCF-style: chr7-5987426-G-C. GRCh37 (hg19) VCF-style: chr7-6027057-G-C.
Other names: c.934C>G, p.Leu312Val (NM_001322003.2, NM_001322004.2, NM_001322005.2 and 1 more transcripts); c.1183C>G, p.Leu395Val (NM_001322006.2); c.1021C>G, p.Leu341Val (NM_001322007.2, NM_001322008.2); c.778C>G, p.Leu260Val (NM_001322010.2); c.406C>G, p.Leu136Val (NM_001322011.2, NM_001322012.2); c.766C>G, p.Leu256Val (NM_001322013.2); c.1339C>G, p.Leu447Val (NM_001322014.2); c.1030C>G, p.Leu344Val (NM_001322015.2); short protein forms L136V, L312V, L344V, L447V, L260V, L395V, L256V, L341V.
Identifiers: ClinVar variation 850752 (VCV000850752.10), dbSNP rs1783129874, ClinGen allele CA366742300.